The following is an entry in ClinVar:

ClinVar aggregate classification (germline): Uncertain significance (1 of 4 stars; one submission).

gnomAD v4.1: 2 of 1,174,305 alleles (0.00017%); highest among the groups gnomAD compares: Non-Finnish European, 0.00012%; no homozygotes.

Submission:

Women's Health and Genetics/Laboratory Corporation of America, LabCorp
Classification: Uncertain significance. Last evaluated: 2025-02-05. Review status: criteria provided, single submitter. Criteria: LabCorp Variant Classification Summary - May 2015. Collection method: clinical testing. Allele origin: germline.
Comment: Variant summary: PDHA1 c.911G>A (p.Arg304Gln) results in a conservative amino acid change located in the dehydrogenase, E1 component (IPR001017) of the encoded protein sequence. Four of five in-silico tools predict a damaging effect of the variant on protein function. The variant allele was found at a frequency of 5.5e-06 in 183410 control chromosomes (gnomAD). The available data on variant occurrences in the general population are insufficient to allow any conclusion about variant significance. To our knowledge, no occurrence of c.911G>A in individuals affected with Pyruvate Dehydrogenase Deficiency and no experimental evidence demonstrating its impact on protein function have been reported. No submitters have cited clinical-significance assessments for this variant to ClinVar. Based on the evidence outlined above, the variant was classified as uncertain significance.

NM_000284.4(PDHA1):c.911G>A (p.Arg304Gln)

Gene: PDHA1 (pyruvate dehydrogenase E1 subunit alpha 1; plus strand). Cytogenetic location: Xp22.12.
Variant type: single nucleotide variant.
Coding change: c.911G>A on transcript NM_000284.4 (MANE Select); coding-DNA position 911, G replaced by A.
Protein change: p.Arg304Gln; replaces arginine 304 with glutamine.
Molecular consequence: missense variant.
Genome position (GRCh38, 1-based): chrX:19,358,927, G>A. VCF-style: chrX-19358927-G-A. GRCh37 (hg19) VCF-style: chrX-19377045-G-A.
Other names: c.1025G>A, p.Arg342Gln (NM_001173454.2); c.932G>A, p.Arg311Gln (NM_001173455.2); c.818G>A, p.Arg273Gln (NM_001173456.2); short protein forms R273Q, R304Q, R311Q, R342Q.
Identifiers: ClinVar variation 3768744 (VCV003768744.1).